The following is an entry in ClinVar:

ClinVar aggregate classification (germline): Uncertain significance (1 of 4 stars; one submission).

Conditions:
RASopathy. Also called: rasopathies; Noonan spectrum disorder. Identifiers: Orphanet 536391, MedGen C5555857, MONDO:0021060.

Submission:

Labcorp Genetics (formerly Invitae), Labcorp
Classification: Uncertain significance for RASopathy. Last evaluated: 2025-05-13. Review status: criteria provided, single submitter. Criteria: Invitae Variant Classification Sherloc (09022015). Collection method: clinical testing. Allele origin: germline.
Comment: This sequence change replaces phenylalanine, which is neutral and non-polar, with leucine, which is neutral and non-polar, at codon 293 of the CBL protein (p.Phe293Leu). This variant is not present in population databases (gnomAD no frequency). This variant has not been reported in the literature in individuals affected with CBL-related conditions. Invitae Evidence Modeling of protein sequence and biophysical properties (such as structural, functional, and spatial information, amino acid conservation, physicochemical variation, residue mobility, and thermodynamic stability) indicates that this missense variant is expected to disrupt CBL protein function with a positive predictive value of 95%. In summary, the available evidence is currently insufficient to determine the role of this variant in disease. Therefore, it has been classified as a Variant of Uncertain Significance.

NM_005188.4(CBL):c.879C>G (p.Phe293Leu)

Gene: CBL (Cbl proto-oncogene; plus strand). Cytogenetic location: 11q23.3.
Variant type: single nucleotide variant.
Coding change: c.879C>G on transcript NM_005188.4 (MANE Select); coding-DNA position 879, C replaced by G.
Protein change: p.Phe293Leu; replaces phenylalanine 293 with leucine.
Molecular consequence: missense variant.
Genome position (GRCh38, 1-based): chr11:119,276,006, C>G. VCF-style: chr11-119276006-C-G. GRCh37 (hg19) VCF-style: chr11-119146716-C-G.
Other names: short protein forms F293L.
Identifiers: ClinVar variation 4800604 (VCV004800604.1).